The following is an entry in ClinVar:

ClinVar aggregate classification (germline): Uncertain significance (1 of 4 stars; one submission).

Conditions:
Mowat-Wilson syndrome (MOWS). Also called: Classic Mowat-Wilson Syndrome. Identifiers: Orphanet 2152, MedGen C1856113, MONDO:0009341, OMIM 235730.

Submission:

Institute of Human Genetics, University of Goettingen
Classification: Uncertain significance for Mowat-Wilson syndrome. Last evaluated: 2026-07-29. Review status: criteria provided, single submitter. Criteria: ACMG Guidelines, 2015. Collection method: clinical testing. Allele origin: germline. Affected: yes. Observed: 1 variant allele, 1 heterozygote.
Comment: The NM_014795.4(ZEB2):c.916G>T (p.Gly306Cys) variant causes a missense, splice region change involving the alteration of a conserved nucleotide. The variant is absent from the gnomAD population database at sites with sufficient sequencing coverage. Splicing prediction tools (SpliceAI) predict no significant impact on normal splicing. The affected nucleotide is highly conserved across species (PhyloP 100-way vertebrate score: 7.91). No clinical diagnostic laboratories have submitted clinical-significance assessments for this variant to ClinVar. A different missense at the same amino acid position has been reported as Pathogenic/Likely Pathogenic in ClinVar: p.G306D: Conflicting_classifications_of_pathogenicity (ClinVar Accession: VCV000985660.14) Other variants at the same amino acid position have been reported in ClinVar (not pathogenic): p.G306S: Uncertain_significance (ClinVar Accession: VCV001325538.2). ACMG criteria used for classification: PM2_sup, PP3_sup,

NM_014795.4(ZEB2):c.916G>T (p.Gly306Cys)

Gene: ZEB2 (zinc finger E-box binding homeobox 2; minus strand). Cytogenetic location: 2q22.3.
Variant type: single nucleotide variant.
Coding change: c.916G>T on transcript NM_014795.4 (MANE Select); coding-DNA position 916, G replaced by T.
Protein change: p.Gly306Cys; replaces glycine 306 with cysteine.
Molecular consequence: missense variant.
Genome position (GRCh38, 1-based): chr2:144,401,199, C>A on the plus strand (G>T on the coding strand, the complement: ZEB2 is on the minus strand). VCF-style: chr2-144401199-C-A. GRCh37 (hg19) VCF-style: chr2-145158766-C-A.
Other names: c.844G>T, p.Gly282Cys (NM_001171653.2); short protein forms G282C, G306C.
Identifiers: ClinVar variation 4890789 (VCV004890789.1).